The following is an entry in ClinVar:

ClinVar aggregate classification (germline): Uncertain significance (0 of 4 stars; one submission).

Conditions:
Thrombophilia due to protein S deficiency, autosomal dominant (THPH5). Identifiers: Orphanet 26349, Orphanet 743, MedGen C3278211, MONDO:0012868, OMIM 612336. Disease mechanism: loss of function.

Submission:

Department of Transfusion Medicine and Hemostaseology, University Hospital Erlangen
Classification: Uncertain significance for Thrombophilia due to protein S deficiency, autosomal dominant. Last evaluated: 2025-09-01. Review status: no assertion criteria provided. Collection method: clinical testing. Allele origin: germline.
Comment: This variant was identified during a screening of patients with suspected hereditary Protein S deficiency. Currently, no literature is available describing this variant and according to dbSNP it represents a very rare genetic alteration, previously detected in the European population in heterozygous state only according to the Allele Frequency Aggregator dataset. Several in silico variant effect prediction tools (varSEAK, SpliceAI, CAPICE) classify this variant as likely benign. Taken together, we classified this variant as of uncertain significance.

NM_000313.4(PROS1):c.77-70_77-68del

Gene: PROS1 (protein S; minus strand). Cytogenetic location: 3q11.1.
Variant type: Deletion.
Coding change: c.77-70_77-68del on transcript NM_000313.4 (MANE Select); 70 bases into the intron before coding-DNA position 77 through 68 bases into the intron before coding-DNA position 77, 3 bases deleted (ATT; older notation c.77-70_77-68delATT).
Molecular consequence: intron variant.
Genome position (GRCh38, 1-based): chr3:93,927,475-93,927,477, AAT deleted on the plus strand (ATT on the coding strand, the reverse complement: PROS1 is on the minus strand); deleting any 3 consecutive bases within chr3:93,927,475-93,927,479 gives the same sequence; the c. name uses the placement nearest the transcript's 3' end. VCF-style (leftmost placement, unchanged base first): chr3-93927474-CAAT-C. GRCh37 (hg19) VCF-style: chr3-93646318-CAAT-C.
Other names: c.77-70_77-68delATT (NM_000313.4); c.173-70_173-68del (NM_001314077.2).
Identifiers: ClinVar variation 4529466 (VCV004529466.1).